The following is an entry in ClinVar:

ClinVar aggregate classification (germline): Benign/Likely benign. Review status: criteria provided, multiple submitters, no conflicts (2 of 4 stars). 4 submissions from 4 submitters: Benign (3); Likely benign (1). Last evaluated 2025-07-27.

Conditions:
Cerebral arteriopathy, autosomal dominant, with subcortical infarcts and leukoencephalopathy, type 1 (CADASIL1). Also called: CADASIL 1; CASIL; Cerebral arteriopathy with subcortical infarcts and leukoencephalopathy 1; DEMENTIA, HEREDITARY MULTIINFARCT TYPE. Identifiers: Orphanet 136, MedGen C4551768, MONDO:0000914, OMIM 125310.

Allele frequency attached by ClinVar (database versions not stated): 1000 Genomes Project 0.00060; 1000 Genomes Project 30x 0.00062; gnomAD below 0.00001; TOPMed 0.00002.
gnomAD v4.1: 338 of 1,610,622 alleles (0.021%); highest among the groups gnomAD compares: South Asian, 0.31%; 2 homozygotes.

Submissions (4):

Labcorp Genetics (formerly Invitae), Labcorp
Classification: Benign. Last evaluated: 2025-07-27. Review status: criteria provided, single submitter. Criteria: Invitae Variant Classification Sherloc (09022015). Collection method: clinical testing. Allele origin: germline.

Blueprint Genetics
Classification: Likely benign. Last evaluated: 2024-08-27. Review status: criteria provided, single submitter. Criteria: ACMG Guidelines, 2015. Collection method: clinical testing. Allele origin: germline.

ARUP Laboratories, Molecular Genetics and Genomics, ARUP Laboratories
Classification: Benign. Last evaluated: 2024-04-05. Review status: criteria provided, single submitter. Criteria: ARUP Molecular Germline Variant Investigation Process 2024. Collection method: clinical testing. Allele origin: germline.

Illumina Laboratory Services, Illumina
Classification: Benign for Cerebral arteriopathy, autosomal dominant, with subcortical infarcts and leukoencephalopathy, type 1. Last evaluated: 2018-01-13. Review status: criteria provided, single submitter. Criteria: ICSL Variant Classification Criteria 13 December 2019. Collection method: clinical testing. Allele origin: germline.
Comment: This variant was observed in the ICSL laboratory as part of a predisposition screen in an ostensibly healthy population. It had not been previously curated by ICSL or reported in the Human Gene Mutation Database (HGMD: prior to June 1st, 2018), and was therefore a candidate for classification through an automated scoring system. Utilizing variant allele frequency, disease prevalence and penetrance estimates, and inheritance mode, an automated score was calculated to assess if this variant is too frequent to cause the disease. Based on the score and internal cut-off values, a variant classified as benign is not then subjected to further curation. The score for this variant resulted in a classification of benign for this disease.

NM_000435.3(NOTCH3):c.5668-11C>T

Gene: NOTCH3 (notch receptor 3; minus strand). Cytogenetic location: 19p13.12.
Variant type: single nucleotide variant.
Coding change: c.5668-11C>T on transcript NM_000435.3 (MANE Select); 11 bases into the intron before coding-DNA position 5668, C replaced by T.
Molecular consequence: intron variant.
Genome position (GRCh38, 1-based): chr19:15,165,526, G>A on the plus strand (C>T on the coding strand, the complement: NOTCH3 is on the minus strand). VCF-style: chr19-15165526-G-A. GRCh37 (hg19) VCF-style: chr19-15276337-G-A.
Identifiers: ClinVar variation 328379 (VCV000328379.10), dbSNP rs199850662, ClinGen allele CA9262567.
Genomic context (GRCh38, chr19:15,165,526, plus strand): 5'-CCATCTGCCATGCGGGCATCCAAGTCTGTAGAGCGGTTTCGGATGAGAATCTAGGACAGA[G>A]AGTGGATGCAGCAGGAGGGGTCATGGCAGGAACAGAGGAATCAGGAGCACCCCTAAGTCC-3'